The following is an entry in ClinVar:

NM_002296.4(LBR):c.1111G>A (p.Gly371Ser)

Gene: LBR (lamin B receptor; minus strand). Cytogenetic location: 1q42.12.
Variant type: single nucleotide variant.
Coding change: c.1111G>A on transcript NM_002296.4 (MANE Select); coding-DNA position 1111, G replaced by A.
Protein change: p.Gly371Ser; replaces glycine 371 with serine.
Molecular consequence: missense variant.
Genome position (GRCh38, 1-based): chr1:225,411,414, C>T on the plus strand (G>A on the coding strand, the complement: LBR is on the minus strand). VCF-style: chr1-225411414-C-T. GRCh37 (hg19) VCF-style: chr1-225599116-C-T.
Other names: c.1111G>A, p.Gly371Ser (NM_194442.3); short protein forms G371S.
Identifiers: ClinVar variation 1316391 (VCV001316391.2), dbSNP rs2150949165, ClinGen allele CA344996619.

ClinVar aggregate classification (germline): Uncertain significance (1 of 4 stars; one submission).

Submission:

GeneDx
Classification: Uncertain significance. Last evaluated: 2020-02-05. Review status: criteria provided, single submitter. Criteria: GeneDx Variant Classification Process June 2021. Collection method: clinical testing. Allele origin: germline. Affected: yes.
Comment: Not observed in large population cohorts (Lek et al., 2016); In silico analysis, which includes protein predictors and evolutionary conservation, supports a deleterious effect; Has not been previously published as pathogenic or benign to our knowledge